The following is an entry in ClinVar:

ClinVar aggregate classification (germline): Uncertain significance (1 of 4 stars; one submission).

Submission:

Labcorp Genetics (formerly Invitae), Labcorp
Classification: Uncertain significance. Last evaluated: 2024-06-17. Review status: criteria provided, single submitter. Criteria: Invitae Variant Classification Sherloc (09022015). Collection method: clinical testing. Allele origin: germline.
Comment: This sequence change replaces valine, which is neutral and non-polar, with methionine, which is neutral and non-polar, at codon 511 of the KIAA1549 protein (p.Val511Met). This variant is not present in population databases (gnomAD no frequency). This variant has not been reported in the literature in individuals affected with KIAA1549-related conditions. ClinVar contains an entry for this variant (Variation ID: 1387718). Algorithms developed to predict the effect of missense changes on protein structure and function output the following: SIFT: "Not Available"; PolyPhen-2: "Benign"; Align-GVGD: "Not Available". The methionine amino acid residue is found in multiple mammalian species, which suggests that this missense change does not adversely affect protein function. In summary, the available evidence is currently insufficient to determine the role of this variant in disease. Therefore, it has been classified as a Variant of Uncertain Significance.

NM_001164665.2(KIAA1549):c.1531G>A (p.Val511Met)

Gene: KIAA1549 (KIAA1549; minus strand). Cytogenetic location: 7q34.
Variant type: single nucleotide variant.
Coding change: c.1531G>A on transcript NM_001164665.2 (MANE Select); coding-DNA position 1531, G replaced by A.
Protein change: p.Val511Met; replaces valine 511 with methionine.
Molecular consequence: missense variant.
Genome position (GRCh38, 1-based): chr7:138,918,095, C>T on the plus strand (G>A on the coding strand, the complement: KIAA1549 is on the minus strand). VCF-style: chr7-138918095-C-T. GRCh37 (hg19) VCF-style: chr7-138602841-C-T.
Other names: c.1531G>A, p.Val511Met (NM_020910.3); short protein forms V511M.
Identifiers: ClinVar variation 1387718 (VCV001387718.6), dbSNP rs2130480614, ClinGen allele CA369398261.